The following is an entry in ClinVar:

ClinVar aggregate classification (germline): Uncertain significance. Review status: criteria provided, multiple submitters, no conflicts (2 of 4 stars). 2 submissions from 2 submitters: Uncertain significance (2). Last evaluated 2025-09-27.

Conditions:
Curry-Hall syndrome (WAD). Also called: WEYERS ACRODENTAL DYSOSTOSIS. Identifiers: Orphanet 952, MedGen C0457013, MONDO:0008673, OMIM 193530.
Ellis-van Creveld syndrome (EVC). Also called: Chondroectodermal dysplasia; EVC-Related Ellis-van Creveld Syndrome; EVC2-Related Ellis-van Creveld Syndrome; MESOECTODERMAL DYSPLASIA. Identifiers: Orphanet 289, MedGen C0013903, MONDO:0009162, OMIM 225500.
Inborn genetic diseases. Identifiers: MedGen C0950123, MeSH D030342.

Allele frequency attached by ClinVar (database versions not stated): ExAC 0.00006; gnomAD 0.00006; TOPMed 0.00006; gnomAD exomes 0.00007 and 0.00010; ESP Exome Variant Server 0.00015.
gnomAD v4.1: 152 of 1,613,760 alleles (0.0094%); highest among the groups gnomAD compares: Non-Finnish European, 0.012%; no homozygotes.

Submissions (2):

Labcorp Genetics (formerly Invitae), Labcorp
Classification: Uncertain significance for Curry-Hall syndrome; Ellis-van Creveld syndrome. Last evaluated: 2025-09-27. Review status: criteria provided, single submitter. Criteria: Invitae Variant Classification Sherloc (09022015). Collection method: clinical testing. Allele origin: germline.
Comment: This sequence change replaces asparagine, which is neutral and polar, with threonine, which is neutral and polar, at codon 756 of the EVC2 protein (p.Asn756Thr). This variant is present in population databases (rs146837459, gnomAD 0.02%). This variant has not been reported in the literature in individuals affected with EVC2-related conditions. ClinVar contains an entry for this variant (Variation ID: 1518668). An algorithm developed to predict the effect of missense changes on protein structure and function outputs the following: PolyPhen-2: "Benign". The threonine amino acid residue is found in multiple mammalian species, which suggests that this missense change does not adversely affect protein function. In summary, the available evidence is currently insufficient to determine the role of this variant in disease. Therefore, it has been classified as a Variant of Uncertain Significance.

Ambry Genetics
Classification: Uncertain significance for Inborn genetic diseases. Last evaluated: 2025-08-29. Review status: criteria provided, single submitter. Criteria: Ambry Variant Classification Scheme 2023. Collection method: clinical testing. Allele origin: germline.

NM_147127.5(EVC2):c.2267A>C (p.Asn756Thr)

Gene: EVC2 (EvC ciliary complex subunit 2; minus strand). Cytogenetic location: 4p16.2.
Variant type: single nucleotide variant.
Coding change: c.2267A>C on transcript NM_147127.5 (MANE Select); coding-DNA position 2267, A replaced by C.
Protein change: p.Asn756Thr; replaces asparagine 756 with threonine.
Molecular consequence: missense variant.
Genome position (GRCh38, 1-based): chr4:5,622,771, T>G on the plus strand (A>C on the coding strand, the complement: EVC2 is on the minus strand). VCF-style: chr4-5622771-T-G. GRCh37 (hg19) VCF-style: chr4-5624498-T-G.
Other names: c.2267A>C (NM_147127.4); c.2027A>C, p.Asn676Thr (NM_001166136.2); short protein forms N676T, N756T.
Identifiers: ClinVar variation 1518668 (VCV001518668.7), dbSNP rs146837459, ClinGen allele CA2834762.
Genomic context (GRCh38, chr4:5,622,771, plus strand): 5'-ATCTGCTGCAGGAAGAGCCAGGGCACCCCACGCTTGAGCAGCTCCTGGGTCATGGCTGAG[T>G]TCTGCAGGCGCCGCAGCTCGTCGGTGGCCTTTTCAAACAGCGAAAGGGTCAGGGTCCTGA-3'
Protein context (NP_667338.3, residues 746-766): KATDELRRLQ[Asn756Thr]SAMTQELLKR